The following is an entry in ClinVar:

ClinVar aggregate classification (germline): Uncertain significance. Review status: criteria provided, multiple submitters, no conflicts (2 of 4 stars). 3 submissions from 3 submitters: Uncertain significance (3). Last evaluated 2025-12-19.

Conditions:
Inborn genetic diseases. Identifiers: MedGen C0950123, MeSH D030342.

Allele frequency attached by ClinVar (database versions not stated): gnomAD 0.00001 and 0.00002; gnomAD exomes 0.00002; TOPMed 0.00002; ExAC 0.00003; 1000 Genomes Project 30x 0.00016; 1000 Genomes Project 0.00020.
gnomAD v4.1: 26 of 1,613,286 alleles (0.0016%); highest among the groups gnomAD compares: East Asian, 0.0022%; no homozygotes.

Submissions (3):

Labcorp Genetics (formerly Invitae), Labcorp
Classification: Uncertain significance. Last evaluated: 2025-12-19. Review status: criteria provided, single submitter. Criteria: Invitae Variant Classification Sherloc (09022015). Collection method: clinical testing. Allele origin: germline.
Comment: This sequence change replaces glutamine, which is neutral and polar, with lysine, which is basic and polar, at codon 424 of the COL4A1 protein (p.Gln424Lys). This variant is present in population databases (rs199622845, gnomAD 0.006%). This variant has not been reported in the literature in individuals affected with COL4A1-related conditions. ClinVar contains an entry for this variant (Variation ID: 374667). Invitae Evidence Modeling of protein sequence and biophysical properties (such as structural, functional, and spatial information, amino acid conservation, physicochemical variation, residue mobility, and thermodynamic stability) indicates that this missense variant is not expected to disrupt COL4A1 protein function with a negative predictive value of 95%. In summary, the available evidence is currently insufficient to determine the role of this variant in disease. Therefore, it has been classified as a Variant of Uncertain Significance.

Ambry Genetics
Classification: Uncertain significance for Inborn genetic diseases. Last evaluated: 2022-02-28. Review status: criteria provided, single submitter. Criteria: Ambry Variant Classification Scheme 2023. Collection method: clinical testing. Allele origin: germline.

CeGaT Center for Human Genetics Tuebingen
Classification: Uncertain significance. Last evaluated: 2018-09-01. Review status: criteria provided, single submitter. Criteria: CeGaT Center For Human Genetics Tuebingen Variant Classification Criteria Version 2. Collection method: clinical testing. Allele origin: germline. Affected: yes. Observed: 2 variant alleles.

NM_001845.6(COL4A1):c.1270C>A (p.Gln424Lys)

Gene: COL4A1 (collagen type IV alpha 1 chain; minus strand). Cytogenetic location: 13q34.
Variant type: single nucleotide variant.
Coding change: c.1270C>A on transcript NM_001845.6 (MANE Select); coding-DNA position 1270, C replaced by A.
Protein change: p.Gln424Lys; replaces glutamine 424 with lysine.
Molecular consequence: missense variant.
Genome position (GRCh38, 1-based): chr13:110,198,482, G>T on the plus strand (C>A on the coding strand, the complement: COL4A1 is on the minus strand). VCF-style: chr13-110198482-G-T. GRCh37 (hg19) VCF-style: chr13-110850829-G-T.
Other names: c.1270C>A (NM_001845.4); c.1270C>A, p.Gln424Lys (NM_001303110.2); short protein forms Q424K.
Identifiers: ClinVar variation 374667 (VCV000374667.49), dbSNP rs199622845, ClinGen allele CA7048009.
Genomic context (GRCh38, chr13:110,198,482, plus strand): 5'-GTGTCTGCTTGCACCCCACATTAAACCATTTCTGAGGGAACTCACTTGTGTAGCCAGGCT[G>T]CCCAGGGGGCCCAGGGGAACCAGGAGGACCCGGGAGCCCATCTCTTCCACTTGGTCCTGG-3'
Protein context (NP_001836.3, residues 414-434): GPPGSPGPPG[Gln424Lys]PGYTNGIVEC